The following is an entry in ClinVar:

ClinVar aggregate classification (germline): Benign. Review status: criteria provided, single submitter (1 of 4 stars). 2 submissions from 2 submitters: Benign (1). 1 of the submissions does not count toward it. Last evaluated 2018-08-29.

Conditions:
KIF4B-related disorder. Also called: KIF4B-related condition.

Allele frequency attached by ClinVar (database versions not stated): 1000 Genomes Project 0.00240; 1000 Genomes Project 30x 0.00281; TOPMed 0.00667; gnomAD exomes 0.00680 and 0.01063; gnomAD 0.00681 and 0.00696; ExAC 0.00719; ESP Exome Variant Server 0.00746.
gnomAD v4.1: 16,364 of 1,614,218 alleles (1%); highest among the groups gnomAD compares: Non-Finnish European, 1.3%; 98 homozygotes.

Submissions (2):

Labcorp Genetics (formerly Invitae), Labcorp
Classification: Benign. Last evaluated: 2018-08-29. Review status: criteria provided, single submitter. Criteria: Invitae Variant Classification Sherloc (09022015). Collection method: clinical testing. Allele origin: germline.

PreventionGenetics, part of Exact Sciences
Classification: Benign for KIF4B-related condition. Last evaluated: 2019-06-20. Review status: no assertion criteria provided. Collection method: clinical testing. Allele origin: germline. Not counted in ClinVar's aggregate classification.
Comment: This variant is classified as benign based on ACMG/AMP sequence variant interpretation guidelines (Richards et al. 2015 PMID: 25741868, with internal and published modifications).

NM_001099293.3(KIF4B):c.1393A>T (p.Ile465Leu)

Gene: KIF4B (kinesin family member 4B; plus strand). Cytogenetic location: 5q33.2.
Variant type: single nucleotide variant.
Coding change: c.1393A>T on transcript NM_001099293.3 (MANE Select); coding-DNA position 1393, A replaced by T.
Protein change: p.Ile465Leu; replaces isoleucine 465 with leucine.
Molecular consequence: missense variant.
Genome position (GRCh38, 1-based): chr5:155,015,252, A>T. VCF-style: chr5-155015252-A-T. GRCh37 (hg19) VCF-style: chr5-154394812-A-T.
Other names: short protein forms I465L.
Identifiers: ClinVar variation 791422 (VCV000791422.5), dbSNP rs115391126, ClinGen allele CA3530016.